The following is an entry in ClinVar:

NC_000005.9:g.(?_130494966)_(130501051_?)dup

Gene: HINT1 (histidine triad nucleotide binding protein 1; minus strand). Cytogenetic location: 5q23.3.
Variant type: Duplication.
Identifiers: ClinVar variation 646953 (VCV000646953.7).

ClinVar aggregate classification (germline): Uncertain significance (1 of 4 stars; one submission).

Conditions:
Autosomal recessive axonal neuropathy with neuromyotonia (NMAN). Also called: Neuromyotonia and axonal neuropathy, autosomal recessive; MYOKYMIA, MYOTONIA, AND MUSCLE WASTING; Gamstorp-Wohlfart syndrome. Identifiers: Orphanet 324442, MedGen C5700127, MONDO:0007646, OMIM 137200.

Submission:

Labcorp Genetics (formerly Invitae), Labcorp
Classification: Uncertain significance for Autosomal recessive axonal neuropathy with neuromyotonia. Last evaluated: 2022-02-04. Review status: criteria provided, single submitter. Criteria: Invitae Variant Classification Sherloc (09022015). Collection method: clinical testing. Allele origin: germline.
Comment: A copy number gain of the genomic region encompassing the full coding sequence of the HINT1 gene has been identified. The boundaries of this event are unknown as they extend beyond the assayed region for this gene and therefore may encompass additional genes. As the precise location of this event is unknown, it may be in tandem or it may be located elsewhere in the genome. This variant has not been reported in the literature in individuals affected with HINT1-related conditions. Experimental studies and prediction algorithms are not available or were not evaluated, and the functional significance of this variant is currently unknown. In summary, the available evidence is currently insufficient to determine the role of this variant in disease. Therefore, it has been classified as a Variant of Uncertain Significance.